The following is an entry in ClinVar:

NM_000540.3(RYR1):c.119G>C (p.Gly40Ala)

Gene: RYR1 (ryanodine receptor 1; plus strand). Cytogenetic location: 19q13.2.
Variant type: single nucleotide variant.
Coding change: c.119G>C on transcript NM_000540.3 (MANE Select); coding-DNA position 119, G replaced by C.
Protein change: p.Gly40Ala; replaces glycine 40 with alanine.
Molecular consequence: missense variant.
Genome position (GRCh38, 1-based): chr19:38,440,818, G>C. VCF-style: chr19-38440818-G-C. GRCh37 (hg19) VCF-style: chr19-38931458-G-C.
Other names: c.119G>C, p.Gly40Ala (NM_001042723.2); short protein forms G40A.
Identifiers: ClinVar variation 1210306 (VCV001210306.4), dbSNP rs2145320724, ClinGen allele CA405671894.

ClinVar aggregate classification (germline): Uncertain significance. Review status: reviewed by expert panel (3 of 4 stars). 2 submissions from 2 submitters: Uncertain significance (1). 1 of the submissions does not count toward it. Last evaluated 2025-08-01.

Conditions:
Malignant hyperthermia, susceptibility to, 1 (MHS1). Also called: RYR1-Related Malignant Hyperthermia Susceptibility; Anesthesia related hyperthermia; Malignant hyperpyrexia; Fulminating hyperpyrexia; Pharmacogenic myopathy; Malignant hyperthermia suceptibility 1. Identifiers: Orphanet 423, MedGen C2930980, MONDO:0007783, OMIM 145600.
Congenital multicore myopathy with external ophthalmoplegia (CMYO1B). Also called: Congenital myopathy 1B, autosomal recessive; Minicore myopathy; MULTICORE MYOPATHY; Minicore myopathy with external ophthalmoplegia; MULTIMINICORE DISEASE WITH EXTERNAL OPHTHALMOPLEGIA. Identifiers: Orphanet 598, Orphanet 98905, MedGen C1850674, MONDO:0009712, OMIM 255320, HP:0003789.
King Denborough syndrome (KDS). Identifiers: MedGen C1840365, MONDO:0020485, OMIM 619542.
Central core myopathy (CMYO1A). Also called: Central core disease; Myopathy, central fibrillar; CONGENITAL MYOPATHY 1A, AUTOSOMAL DOMINANT, WITH SUSCEPTIBILITY TO MALIGNANT HYPERTHERMIA. Identifiers: Orphanet 597, MedGen C5830701, MONDO:0007294, OMIM 117000.
Congenital myopathy with fiber type disproportion. Also called: Congenital fiber-type disproportion myopathy; Congenital fiber-type disproportion. Identifiers: Orphanet 2020, MedGen C0546264, MONDO:0009711. Inheritance: all.

Submissions (2):

ClinGen Malignant Hyperthermia Susceptibility Variant Curation Expert Panel, ClinGen
Classification: Uncertain significance for Malignant hyperthermia, susceptibility to, 1. Last evaluated: 2025-08-01. Review status: reviewed by expert panel. Criteria: ClinGen MHS ACMG Specifications V2. Collection method: curation. Allele origin: germline. Inheritance: Autosomal dominant inheritance.
Comment: This pathogenicity assessment is relevant only for malignant hyperthermia susceptibility (MHS) inherited in an autosomal dominant pattern. Variants in RYR1 can also cause other myopathies inherited in an autosomal dominant pattern or in an autosomal recessive pattern. Some of these disorders may predispose individuals to malignant hyperthermia. RYR1 variants may also contribute to a malignant hyperthermia reaction in combination with other genetic and non-genetic factors and the clinician needs to consider such factors in making management decisions. This sequence variant predicts a substitution of glycine with alanine at codon 40 of the RYR1 protein, p.(Gly40Ala). This variant was not present in a large population database (gnomAD) at the time this variant was interpreted. This variant has been reported in an individual with a personal or family history of an MH episode and a positive in vitro contracture test (IVCT) or caffeine halothane contracture test (CHCT) result (if the proband was unavailable for testing, a positive diagnostic test result in a mutation-positive relative was counted), PS4_Supporting (PMID:23558838). No functional studies were identified for this variant. This variant resides in a region of RYR1 considered to be a hotspot for pathogenic variants that contribute to MHS, PM1 (PMID: 21118704). A REVEL score >0.85 (0.897) supports a pathogenic status for this variant, PP3_Moderate. This variant has been classified as a Variant of Unknown Significance. Criteria implemented: PS4_Supporting, PM1, PP3_Moderate.

Fulgent Genetics
Classification: Uncertain significance for Central core myopathy; Malignant hyperthermia, susceptibility to, 1; Congenital myopathy 4A, autosomal dominant; Congenital multicore myopathy with external ophthalmoplegia; King Denborough syndrome. Last evaluated: 2021-09-22. Review status: criteria provided, single submitter. Criteria: ACMG Guidelines, 2015. Collection method: clinical testing. Allele origin: unknown. Not counted in ClinVar's aggregate classification.